The following is an entry in ClinVar:

ClinVar aggregate classification (germline): Uncertain significance. Review status: criteria provided, multiple submitters, no conflicts (2 of 4 stars). 2 submissions from 2 submitters: Uncertain significance (2). Last evaluated 2023-12-19.

Conditions:
Inborn genetic diseases. Identifiers: MedGen C0950123, MeSH D030342.

Allele frequency attached by ClinVar (database versions not stated): gnomAD 0.00006.
gnomAD v4.1: 54 of 1,613,712 alleles (0.0033%); highest among the groups gnomAD compares: African/African-American, 0.008%; no homozygotes.

Submissions (2):

Ambry Genetics
Classification: Uncertain significance for Inborn genetic diseases. Last evaluated: 2023-12-19. Review status: criteria provided, single submitter. Criteria: Ambry Variant Classification Scheme 2023. Collection method: clinical testing. Allele origin: germline.

Labcorp Genetics (formerly Invitae), Labcorp
Classification: Uncertain significance. Last evaluated: 2022-06-07. Review status: criteria provided, single submitter. Criteria: Invitae Variant Classification Sherloc (09022015). Collection method: clinical testing. Allele origin: germline.
Comment: This sequence change replaces histidine, which is basic and polar, with glutamine, which is neutral and polar, at codon 315 of the SLC25A42 protein (p.His315Gln). This variant is present in population databases (rs781548124, gnomAD 0.08%). This variant has not been reported in the literature in individuals affected with SLC25A42-related conditions. Algorithms developed to predict the effect of missense changes on protein structure and function output the following: SIFT: "Tolerated"; PolyPhen-2: "Benign"; Align-GVGD: "Class C0". The glutamine amino acid residue is found in multiple mammalian species, which suggests that this missense change does not adversely affect protein function. Algorithms developed to predict the effect of sequence changes on RNA splicing suggest that this variant may create or strengthen a splice site. In summary, the available evidence is currently insufficient to determine the role of this variant in disease. Therefore, it has been classified as a Variant of Uncertain Significance.

NM_178526.5(SLC25A42):c.945C>G (p.His315Gln)

Gene: SLC25A42 (solute carrier family 25 member 42; plus strand). Cytogenetic location: 19p13.11.
Variant type: single nucleotide variant.
Coding change: c.945C>G on transcript NM_178526.5 (MANE Select); coding-DNA position 945, C replaced by G.
Protein change: p.His315Gln; replaces histidine 315 with glutamine.
Molecular consequence: missense variant.
Genome position (GRCh38, 1-based): chr19:19,110,864, C>G. VCF-style: chr19-19110864-C-G. GRCh37 (hg19) VCF-style: chr19-19221673-C-G.
Other names: c.945C>G, p.His315Gln (NM_001321544.2); c.945C>G (NM_178526.3); short protein forms H315Q.
Identifiers: ClinVar variation 1916808 (VCV001916808.3), dbSNP rs781548124, ClinGen allele CA9321593.